The following is an entry in ClinVar:

NM_000748.3(CHRNB2):c.373G>T (p.Gly125Cys)

Gene: CHRNB2 (cholinergic receptor nicotinic beta 2 subunit; plus strand). Cytogenetic location: 1q21.3.
Variant type: single nucleotide variant.
Coding change: c.373G>T on transcript NM_000748.3 (MANE Select); coding-DNA position 373, G replaced by T.
Protein change: p.Gly125Cys; replaces glycine 125 with cysteine.
Molecular consequence: missense variant.
Genome position (GRCh38, 1-based): chr1:154,571,196, G>T. VCF-style: chr1-154571196-G-T. GRCh37 (hg19) VCF-style: chr1-154543672-G-T.
Other names: short protein forms G125C.
Identifiers: ClinVar variation 1710816 (VCV001710816.2), dbSNP rs922186544, ClinGen allele CA342629882.

ClinVar aggregate classification (germline): Uncertain significance (1 of 4 stars; one submission).

Submission:

GeneDx
Classification: Uncertain significance. Last evaluated: 2022-04-12. Review status: criteria provided, single submitter. Criteria: GeneDx Variant Classification Process June 2021. Collection method: clinical testing. Allele origin: germline. Affected: yes.
Comment: Not observed at significant frequency in large population cohorts (gnomAD); In silico analysis supports that this missense variant has a deleterious effect on protein structure/function; Has not been previously published as pathogenic or benign to our knowledge